The following is an entry in ClinVar:

ClinVar aggregate classification (germline): Uncertain significance. Review status: criteria provided, single submitter (1 of 4 stars). 2 submissions from 2 submitters: Uncertain significance (1). 1 of the submissions does not count toward it. Last evaluated 2024-06-15.

Conditions:
COL6A2-related disorder.
Bethlem myopathy 1A. Also called: Bethlem Muscular Dystrophy; MYOPATHY, BENIGN CONGENITAL, WITH CONTRACTURES; Bethlem myopathy 1. Identifiers: Orphanet 610, MedGen CN029274, MONDO:0024530, OMIM 158810.

gnomAD v4.1: 3 of 1,600,992 alleles (0.00019%); highest among the groups gnomAD compares: African/African-American, 0.0027%; no homozygotes.

Submissions (2):

Labcorp Genetics (formerly Invitae), Labcorp
Classification: Uncertain significance for Bethlem myopathy 1A. Last evaluated: 2024-06-15. Review status: criteria provided, single submitter. Criteria: Invitae Variant Classification Sherloc (09022015). Collection method: clinical testing. Allele origin: germline.
Comment: This sequence change replaces threonine, which is neutral and polar, with lysine, which is basic and polar, at codon 864 of the COL6A2 protein (p.Thr864Lys). This variant is not present in population databases (gnomAD no frequency). This variant has not been reported in the literature in individuals affected with COL6A2-related conditions. ClinVar contains an entry for this variant (Variation ID: 1480582). Advanced modeling of protein sequence and biophysical properties (such as structural, functional, and spatial information, amino acid conservation, physicochemical variation, residue mobility, and thermodynamic stability) performed at Invitae indicates that this missense variant is not expected to disrupt COL6A2 protein function with a negative predictive value of 80%. In summary, the available evidence is currently insufficient to determine the role of this variant in disease. Therefore, it has been classified as a Variant of Uncertain Significance.

PreventionGenetics, part of Exact Sciences
Classification: Uncertain significance for COL6A2-related condition. Last evaluated: 2023-11-30. Review status: no assertion criteria provided. Collection method: clinical testing. Allele origin: germline. Not counted in ClinVar's aggregate classification.
Comment: The COL6A2 c.2591C>A variant is predicted to result in the amino acid substitution p.Thr864Lys. To our knowledge, this variant has not been reported in the literature or in a large population database, indicating this variant is rare. At this time, the clinical significance of this variant is uncertain due to the absence of conclusive functional and genetic evidence.

NM_001849.4(COL6A2):c.2591C>A (p.Thr864Lys)

Gene: COL6A2 (collagen type VI alpha 2 chain; plus strand). Cytogenetic location: 21q22.3.
Variant type: single nucleotide variant.
Coding change: c.2591C>A on transcript NM_001849.4 (MANE Select); coding-DNA position 2591, C replaced by A.
Protein change: p.Thr864Lys; replaces threonine 864 with lysine.
Molecular consequence: missense variant.
Genome position (GRCh38, 1-based): chr21:46,132,083, C>A. VCF-style: chr21-46132083-C-A. GRCh37 (hg19) VCF-style: chr21-47551997-C-A.
Other names: c.2591C>A (NM_001849.3); short protein forms T864K.
Identifiers: ClinVar variation 1480582 (VCV001480582.8), dbSNP rs200488881, ClinGen allele CA410548497.